The following is an entry in ClinVar:

ClinVar aggregate classification (germline): Uncertain significance (1 of 4 stars; one submission).

Conditions:
Inborn genetic diseases. Identifiers: MedGen C0950123, MeSH D030342.

Submission:

Ambry Genetics
Classification: Uncertain significance for Inborn genetic diseases. Last evaluated: 2025-04-04. Review status: criteria provided, single submitter. Criteria: Ambry Variant Classification Scheme 2023. Collection method: clinical testing. Allele origin: germline.
Comment: The p.A1226V variant (also known as c.3677C>T), located in coding exon 33 of the RTEL1 gene, results from a C to T substitution at nucleotide position 3677. The alanine at codon 1226 is replaced by valine, an amino acid with similar properties. This amino acid position is conserved. In addition, this alteration is predicted to be tolerated by in silico analysis. Based on the available evidence, the clinical significance of this variant remains unclear.

NM_001283009.2(RTEL1):c.3677C>T (p.Ala1226Val)

Genes: RTEL1 (regulator of telomere elongation helicase 1; plus strand), RTEL1-TNFRSF6B (RTEL1-TNFRSF6B readthrough (NMD candidate); plus strand). Cytogenetic location: 20q13.33.
Variant type: single nucleotide variant.
Coding change: c.3677C>T on transcript NM_001283009.2 (MANE Select); coding-DNA position 3677, C replaced by T.
Protein change: p.Ala1226Val; replaces alanine 1226 with valine.
Molecular consequence: missense variant. On other transcripts: non-coding transcript variant (1), intron variant (3).
Genome position (GRCh38, 1-based): chr20:63,695,505, C>T. VCF-style: chr20-63695505-C-T. GRCh37 (hg19) VCF-style: chr20-62326858-C-T.
Other names: c.2983+25C>T (NM_001283010.1); c.3724+25C>T (NM_032957.5); c.3652+25C>T (NM_016434.4); short protein forms A1226V.
Identifiers: ClinVar variation 3948293 (VCV003948293.1).